The following is an entry in ClinVar:

NM_001367949.2(FAT3):c.11243G>A (p.Cys3748Tyr)

Gene: FAT3 (FAT atypical cadherin 3; plus strand). Cytogenetic location: 11q14.3.
Variant type: single nucleotide variant.
Coding change: c.11243G>A on transcript NM_001367949.2 (MANE Select); coding-DNA position 11243, G replaced by A.
Protein change: p.Cys3748Tyr; replaces cysteine 3748 with tyrosine.
Molecular consequence: missense variant.
Genome position (GRCh38, 1-based): chr11:92,844,610, G>A. VCF-style: chr11-92844610-G-A. GRCh37 (hg19) VCF-style: chr11-92577776-G-A.
Other names: c.11243G>A, p.Cys3748Tyr (NM_001008781.3); short protein forms C3748Y.
Identifiers: ClinVar variation 4995287 (VCV004995287.1).

ClinVar aggregate classification (germline): Uncertain significance (1 of 4 stars; one submission).

Conditions:
FAT3-related disorder. Also called: FAT3-related condition.

gnomAD v4.1: 1 of 1,613,606 alleles (0.000062%); highest among the groups gnomAD compares: Non-Finnish European, 0.000085%; no homozygotes.

Submission:

PreventionGenetics, part of Exact Sciences
Classification: Uncertain significance for FAT3-related condition. Last evaluated: 2026-03-18. Review status: criteria provided, single submitter. Criteria: ACMG Guidelines, 2015. Collection method: clinical testing. Allele origin: germline.
Comment: The FAT3 c.11243G>A variant is predicted to result in the amino acid substitution p.Cys3748Tyr. To our knowledge, this variant has not been reported in the literature or in a large population database (gnomAD), indicating this variant is rare. At this time, the clinical significance of this variant is uncertain due to the absence of conclusive functional and genetic evidence.